The following is an entry in ClinVar:

ClinVar aggregate classification (germline): Uncertain significance (1 of 4 stars; one submission).

Submission:

GeneDx
Classification: Uncertain significance. Last evaluated: 2025-06-11. Review status: criteria provided, single submitter. Criteria: GeneDx Variant Classification Process June 2021. Collection method: clinical testing. Allele origin: germline. Affected: yes.
Comment: Frameshift variant predicted to result in protein truncation or nonsense mediated decay in a gene for which loss-of-function is not a known mechanism of disease; Not observed at significant frequency in large population cohorts (gnomAD); This variant is associated with the following publications: (PMID: 38008000)

NM_006245.4(PPP2R5D):c.1267_1270del (p.Leu423fs)

Gene: PPP2R5D (protein phosphatase 2 regulatory subunit B'delta; plus strand). Cytogenetic location: 6p21.1.
Variant type: Microsatellite.
Coding change: c.1267_1270del on transcript NM_006245.4 (MANE Select); coding-DNA positions 1267 to 1270, 4 bases deleted (CTCT; older notation c.1267_1270delCTCT).
Protein change: p.Leu423fs; shifts the reading frame from leucine 423.
Molecular consequence: frameshift variant.
Genome position (GRCh38, 1-based): chr6:43,009,337-43,009,340, CTCT deleted; deleting any 4 consecutive bases within chr6:43,009,335-43,009,340 gives the same sequence; the c. name uses the placement nearest the transcript's 3' end. VCF-style (leftmost placement, unchanged base first): chr6-43009334-GCTCT-G. GRCh37 (hg19) VCF-style: chr6-42977072-GCTCT-G.
Other names: c.814_817del, p.Leu272fs (NM_001270476.2); c.1171_1174del, p.Leu391fs (NM_180976.3); c.949_952del, p.Leu317fs (NM_180977.3); short protein forms L272fs, L317fs, L391fs, L423fs.
Identifiers: ClinVar variation 4537917 (VCV004537917.1).